The following is an entry in ClinVar:

ClinVar aggregate classification (germline): Uncertain significance (1 of 4 stars; one submission).

gnomAD v4.1: 3 of 1,613,368 alleles (0.00019%); highest among the groups gnomAD compares: Middle Eastern, 0.017%; no homozygotes.

Submission:

Kariminejad - Najmabadi Pathology & Genetics Center
Classification: Uncertain significance. Last evaluated: 2020-02-15. Review status: criteria provided, single submitter. Criteria: ACMG Guidelines, 2015. Collection method: clinical testing. Allele origin: germline. Inheritance: Autosomal recessive inheritance. Affected: yes.
Comment: PM2, BP1

NM_001267550.2(TTN):c.58940G>A (p.Gly19647Glu)

Genes: TTN (titin; minus strand), TTN-AS1 (TTN antisense RNA 1; plus strand). Cytogenetic location: 2q31.2.
Variant type: single nucleotide variant.
Coding change: c.58940G>A on transcript NM_001267550.2 (MANE Select); coding-DNA position 58940, G replaced by A.
Protein change: p.Gly19647Glu; replaces glycine 19647 with glutamic acid.
Molecular consequence: missense variant.
Genome position (GRCh38, 1-based): chr2:178,593,268, C>T on the plus strand (G>A on the coding strand, the complement: TTN is on the minus strand). VCF-style: chr2-178593268-C-T. GRCh37 (hg19) VCF-style: chr2-179457995-C-T.
Other names: c.54017G>A, p.Gly18006Glu (NM_001256850.1); c.31745G>A, p.Gly10582Glu (NM_003319.4); c.51236G>A, p.Gly17079Glu (NM_133378.4); c.32120G>A, p.Gly10707Glu (NM_133432.3); c.32321G>A, p.Gly10774Glu (NM_133437.4); short protein forms G10582E, G10707E, G10774E, G17079E, G18006E, G19647E.
Identifiers: ClinVar variation 3897049 (VCV003897049.1).